The following is an entry in ClinVar:

NM_000308.4(CTSA):c.1195G>A (p.Val399Ile)

Gene: CTSA (cathepsin A; plus strand). Cytogenetic location: 20q13.12.
Variant type: single nucleotide variant.
Coding change: c.1195G>A on transcript NM_000308.4 (MANE Select); coding-DNA position 1195, G replaced by A.
Protein change: p.Val399Ile; replaces valine 399 with isoleucine.
Molecular consequence: missense variant. On other transcripts: non-coding transcript variant (1).
Genome position (GRCh38, 1-based): chr20:45,897,747, G>A. VCF-style: chr20-45897747-G-A. GRCh37 (hg19) VCF-style: chr20-44526386-G-A.
Other names: c.1195G>A, p.Val399Ile (NM_001127695.3); c.1144G>A, p.Val382Ile (NM_001167594.3); short protein forms V399I, V382I.
Identifiers: ClinVar variation 1352179 (VCV001352179.3), dbSNP rs779857539, ClinGen allele CA9883322.

ClinVar aggregate classification (germline): Uncertain significance (1 of 4 stars; one submission).

Conditions:
Combined deficiency of sialidase AND beta galactosidase (GSL). Also called: CATHEPSIN A DEFICIENCY; GOLDBERG SYNDROME; Galactosialidosis; NEURAMINIDASE DEFICIENCY WITH BETA-GALACTOSIDASE DEFICIENCY; NEURAMINIDASE/BETA-GALACTOSIDASE EXPRESSION; PPCA DEFICIENCY. Identifiers: Orphanet 351, MedGen C0268233, MONDO:0009737, OMIM 256540.

Allele frequency attached by ClinVar (database versions not stated): gnomAD exomes below 0.00001; ExAC 0.00001; gnomAD 0.00001; TOPMed 0.00001.

Submission:

Labcorp Genetics (formerly Invitae), Labcorp
Classification: Uncertain significance for Combined deficiency of sialidase AND beta galactosidase. Last evaluated: 2021-11-04. Review status: criteria provided, single submitter. Criteria: Invitae Variant Classification Sherloc (09022015). Collection method: clinical testing. Allele origin: germline.
Comment: This sequence change replaces valine, which is neutral and non-polar, with isoleucine, which is neutral and non-polar, at codon 417 of the CTSA protein (p.Val417Ile). This variant is present in population databases (rs779857539, gnomAD 0.007%). This variant has not been reported in the literature in individuals affected with CTSA-related conditions. Algorithms developed to predict the effect of missense changes on protein structure and function are either unavailable or do not agree on the potential impact of this missense change (SIFT: "Not Available"; PolyPhen-2: "Benign"; Align-GVGD: "Not Available"). In summary, the available evidence is currently insufficient to determine the role of this variant in disease. Therefore, it has been classified as a Variant of Uncertain Significance.